The following is an entry in ClinVar:

ClinVar aggregate classification (germline): Conflicting classifications of pathogenicity. Review status: criteria provided, conflicting classifications (1 of 4 stars). 2 submissions from 2 submitters: Likely pathogenic (1); Uncertain significance (1). Last evaluated 2023-11-13.

Conditions:
Cerebral arteriopathy, autosomal dominant, with subcortical infarcts and leukoencephalopathy, type 1 (CADASIL1). Also called: CADASIL 1; CASIL; Cerebral arteriopathy with subcortical infarcts and leukoencephalopathy 1; DEMENTIA, HEREDITARY MULTIINFARCT TYPE. Identifiers: Orphanet 136, MedGen C4551768, MONDO:0000914, OMIM 125310.

Allele frequency attached by ClinVar (database versions not stated): ExAC 0.00003; gnomAD 0.00003; TOPMed 0.00003.
gnomAD v4.1: 20 of 1,612,516 alleles (0.0012%); highest among the groups gnomAD compares: African/African-American, 0.008%; no homozygotes.

Submissions (2):

Labcorp Genetics (formerly Invitae), Labcorp
Classification: Uncertain significance. Last evaluated: 2023-11-13. Review status: criteria provided, single submitter. Criteria: Invitae Variant Classification Sherloc (09022015). Collection method: clinical testing. Allele origin: germline.
Comment: This sequence change replaces arginine, which is basic and polar, with histidine, which is basic and polar, at codon 153 of the NOTCH3 protein (p.Arg153His). This variant is present in population databases (rs755685473, gnomAD 0.01%). This variant has not been reported in the literature in individuals affected with NOTCH3-related conditions. ClinVar contains an entry for this variant (Variation ID: 2572610). Advanced modeling of protein sequence and biophysical properties (such as structural, functional, and spatial information, amino acid conservation, physicochemical variation, residue mobility, and thermodynamic stability) performed at Invitae indicates that this missense variant is not expected to disrupt NOTCH3 protein function with a negative predictive value of 95%. This variant disrupts the p.Arg153 amino acid residue in NOTCH3. Other variant(s) that disrupt this residue have been determined to be pathogenic (PMID: 9388399, 10802804, 16193256, 27890607). This suggests that this residue is clinically significant, and that variants that disrupt this residue are likely to be disease-causing. In summary, the available evidence is currently insufficient to determine the role of this variant in disease. Therefore, it has been classified as a Variant of Uncertain Significance.

Laboratory of Medical Genetics, National & Kapodistrian University of Athens
Classification: Likely pathogenic for Cerebral arteriopathy, autosomal dominant, with subcortical infarcts and leukoencephalopathy, type 1. Last evaluated: 2021-11-05. Review status: criteria provided, single submitter. Criteria: ACMG Guidelines, 2015. Collection method: clinical testing. Allele origin: germline. Affected: yes.
Comment: PM1, PM2, PM5, PP2

Literature cited by the submitters: PubMed 9388399 (cited by Labcorp Genetics (formerly Invitae), Labcorp); PubMed 10802804 (cited by Labcorp Genetics (formerly Invitae), Labcorp); PubMed 16193256 (cited by Labcorp Genetics (formerly Invitae), Labcorp); PubMed 27890607 (cited by Labcorp Genetics (formerly Invitae), Labcorp).

NM_000435.3(NOTCH3):c.458G>A (p.Arg153His)

Gene: NOTCH3 (notch receptor 3; minus strand). Cytogenetic location: 19p13.12.
Variant type: single nucleotide variant.
Coding change: c.458G>A on transcript NM_000435.3 (MANE Select); coding-DNA position 458, G replaced by A.
Protein change: p.Arg153His; replaces arginine 153 with histidine.
Molecular consequence: missense variant.
Genome position (GRCh38, 1-based): chr19:15,192,181, C>T on the plus strand (G>A on the coding strand, the complement: NOTCH3 is on the minus strand). VCF-style: chr19-15192181-C-T. GRCh37 (hg19) VCF-style: chr19-15302992-C-T.
Other names: short protein forms R153H.
Identifiers: ClinVar variation 2572610 (VCV002572610.4), dbSNP rs755685473, ClinGen allele CA9263881.